The following is an entry in ClinVar:

NM_000264.5(PTCH1):c.2117_2122del (p.Ser706_Ser707del)

Genes: PTCH1 (patched 1; minus strand), LOC100507346 (uncharacterized LOC100507346; plus strand). Cytogenetic location: 9q22.32.
Variant type: Deletion.
Coding change: c.2117_2122del on transcript NM_000264.5 (MANE Select); coding-DNA positions 2117 to 2122, 6 bases deleted (GCTCCA; older notation c.2117_2122delGCTCCA).
Protein change: p.Ser706_Ser707del.
Molecular consequence: inframe deletion. On other transcripts: non-coding transcript variant (2), inframe indel (1).
Genome position (GRCh38, 1-based): chr9:95,468,879-95,468,884, TGGAGC deleted on the plus strand (GCTCCA on the coding strand, the reverse complement: PTCH1 is on the minus strand); deleting any 6 consecutive bases within chr9:95,468,879-95,468,887 gives the same sequence; the c. name uses the placement nearest the transcript's 3' end. VCF-style (leftmost placement, unchanged base first): chr9-95468878-GTGGAGC-G. GRCh37 (hg19) VCF-style: chr9-98231160-GTGGAGC-G.
Other names: c.1919_1924del, p.Ser640_Ser641del (NM_001083602.3); c.2114_2119del, p.Ser705_Ser706del (NM_001083603.3); c.1664_1669del, p.Ser555_Ser556del (NM_001083604.3, NM_001083605.3, NM_001083606.3 and 1 more transcripts); c.1961_1966del, p.Ser654_Ser655del (NM_001354918.2); c.2117_2122del6 (NM_000264.3); c.2117_2122delGCTCCA (NM_000264.3).
Identifiers: ClinVar variation 2629700 (VCV002629700.2), dbSNP rs2538145517, ClinGen allele CA2695201601.

ClinVar aggregate classification (germline): Uncertain significance. Review status: criteria provided, multiple submitters, no conflicts (2 of 4 stars). 2 submissions from 2 submitters: Uncertain significance (2). Last evaluated 2024-08-21.

Conditions:
Hereditary cancer-predisposing syndrome. Also called: Tumor predisposition; Neoplastic Syndromes, Hereditary; Hereditary neoplastic syndrome; Hereditary Cancer Syndrome. Identifiers: Orphanet 140162, MedGen C0027672, MeSH D009386, MONDO:0015356.
PTCH1-related disorder. Also called: PTCH1-related disorders; PTCH1-related condition.

Submissions (2):

Ambry Genetics
Classification: Uncertain significance for Hereditary cancer-predisposing syndrome. Last evaluated: 2024-08-21. Review status: criteria provided, single submitter. Criteria: Ambry Variant Classification Scheme 2023. Collection method: clinical testing. Allele origin: germline.
Comment: The c.2117_2122delGCTCCA variant (also known as p.S706_S707del) is located in coding exon 14 of the PTCH1 gene. This variant results from an in-frame GCTCCA deletion at nucleotide positions 2117 to 2122. This results in the in-frame deletion of two amino acids at codons 706 to 707. This amino acid region is highly conserved in available vertebrate species. In addition, the in silico prediction for this alteration is inconclusive (Choi Y et al. PLoS ONE. 2012; 7(10):e46688). Based on the available evidence, the clinical significance of this variant remains unclear.

PreventionGenetics, part of Exact Sciences
Classification: Uncertain significance for PTCH1-related condition. Last evaluated: 2022-12-22. Review status: criteria provided, single submitter. Criteria: ACMG Guidelines, 2015. Collection method: clinical testing. Allele origin: germline.
Comment: The PTCH1 c.2117_2122del6 variant is predicted to result in an in-frame deletion (p.Ser706_Ser707del). To our knowledge, this variant has not been reported in the literature or in a large population database, indicating this variant is rare. At this time, the clinical significance of this variant is uncertain due to the absence of conclusive functional and genetic evidence.